The following is an entry in ClinVar:

NM_004360.5(CDH1):c.17G>A (p.Arg6His)

Gene: CDH1 (cadherin 1; plus strand). Cytogenetic location: 16q22.1.
Variant type: single nucleotide variant.
Coding change: c.17G>A on transcript NM_004360.5 (MANE Select); coding-DNA position 17, G replaced by A.
Protein change: p.Arg6His; replaces arginine 6 with histidine.
Molecular consequence: missense variant. On other transcripts: 5 prime UTR variant (2).
Genome position (GRCh38, 1-based): chr16:68,737,432, G>A. VCF-style: chr16-68737432-G-A. GRCh37 (hg19) VCF-style: chr16-68771335-G-A.
Other names: c.17G>A, p.Arg6His (NM_001317184.2); c.-1599G>A (NM_001317185.2); c.-1803G>A (NM_001317186.2); short protein forms R6H.
Identifiers: ClinVar variation 4758792 (VCV004758792.2).
Genomic context (GRCh38, chr16:68,737,432, plus strand): 5'-GACCGCACCCGGCGCCTGCCCTCGCTCGGCGTCCCCGGCCAGCCATGGGCCCTTGGAGCC[G>A]CAGCCTCTCGGCGCTGCTGCTGCTGCTGCAGGTACCCCGGATCCCCTGACTTGCGAGGGA-3'
Protein context (NP_004351.1, residues 1-16): MGPWS[Arg6His]SLSALLLLLQ

ClinVar aggregate classification (germline): Uncertain significance. Review status: criteria provided, multiple submitters, no conflicts (2 of 4 stars). 2 submissions from 2 submitters: Uncertain significance (2). Last evaluated 2025-08-05.

Conditions:
Hereditary cancer-predisposing syndrome. Also called: Hereditary neoplastic syndrome; Hereditary Cancer Syndrome; Neoplastic Syndromes, Hereditary; Tumor predisposition. Identifiers: Orphanet 140162, MedGen C0027672, MeSH D009386, MONDO:0015356.
Hereditary diffuse gastric adenocarcinoma (HDGC). Also called: DIFFUSE GASTRIC AND LOBULAR BREAST CANCER SYNDROME. Identifiers: Orphanet 26106, MedGen C1708349, MONDO:0007648, OMIM 137215.

Submissions (2):

Labcorp Genetics (formerly Invitae), Labcorp
Classification: Uncertain significance for Hereditary diffuse gastric adenocarcinoma. Last evaluated: 2025-08-05. Review status: criteria provided, single submitter. Criteria: Invitae Variant Classification Sherloc (09022015). Collection method: clinical testing. Allele origin: germline.
Comment: This sequence change replaces arginine, which is basic and polar, with histidine, which is basic and polar, at codon 6 of the CDH1 protein (p.Arg6His). This variant is not present in population databases (gnomAD no frequency). This variant has not been reported in the literature in individuals affected with CDH1-related conditions. An algorithm developed to predict the effect of missense changes on protein structure and function outputs the following: PolyPhen-2: "Benign". The histidine amino acid residue is found in multiple mammalian species, which suggests that this missense change does not adversely affect protein function. In summary, the available evidence is currently insufficient to determine the role of this variant in disease. Therefore, it has been classified as a Variant of Uncertain Significance.

Color Diagnostics, LLC DBA Color Health
Classification: Uncertain significance for Hereditary cancer-predisposing syndrome. Last evaluated: 2025-06-11. Review status: criteria provided, single submitter. Criteria: ACMG Guidelines, 2015. Collection method: clinical testing. Allele origin: germline.
Comment: This missense variant replaces arginine with histidine at codon 6 of the CDH1 protein. To our knowledge, functional studies have not been reported for this variant. This variant has not been reported in individuals affected with CDH1-related disorders in the literature. This variant has not been identified in the general population by the Genome Aggregation Database (gnomAD). The available evidence is insufficient to determine the role of this variant in disease conclusively. Therefore, this variant is classified as a Variant of Uncertain Significance.